The following is an entry in ClinVar:

ClinVar aggregate classification (germline): Uncertain significance (1 of 4 stars; one submission).

gnomAD v4.1: 1 of 1,611,958 alleles (0.000062%); highest among the groups gnomAD compares: Non-Finnish European, 0.000085%; no homozygotes.

Submission:

GeneDx
Classification: Uncertain significance. Last evaluated: 2023-07-19. Review status: criteria provided, single submitter. Criteria: GeneDx Variant Classification Process June 2021. Collection method: clinical testing. Allele origin: germline. Affected: yes.
Comment: Not observed at significant frequency in large population cohorts (gnomAD); In silico analysis supports that this missense variant has a deleterious effect on protein structure/function; Has not been previously published as pathogenic or benign to our knowledge

NM_001130823.3(DNMT1):c.3275C>A (p.Ser1092Tyr)

Gene: DNMT1 (DNA methyltransferase 1; minus strand). Cytogenetic location: 19p13.2.
Variant type: single nucleotide variant.
Coding change: c.3275C>A on transcript NM_001130823.3 (MANE Select); coding-DNA position 3275, C replaced by A.
Protein change: p.Ser1092Tyr; replaces serine 1092 with tyrosine.
Molecular consequence: missense variant.
Genome position (GRCh38, 1-based): chr19:10,142,062, G>T on the plus strand (C>A on the coding strand, the complement: DNMT1 is on the minus strand). VCF-style: chr19-10142062-G-T. GRCh37 (hg19) VCF-style: chr19-10252738-G-T.
Other names: c.3227C>A, p.Ser1076Tyr (NM_001318730.2, NM_001379.4); c.2912C>A, p.Ser971Tyr (NM_001318731.2); short protein forms S1076Y, S1092Y, S971Y.
Identifiers: ClinVar variation 3361335 (VCV003361335.1).